The following is an entry in ClinVar:

ClinVar aggregate classification (germline): Uncertain significance. Review status: criteria provided, multiple submitters, no conflicts (2 of 4 stars). 5 submissions from 5 submitters: Uncertain significance (5). Last evaluated 2025-12-17.

Conditions:
Hypertrophic cardiomyopathy. Also called: HYPERTROPHIC MYOCARDIOPATHY. Identifiers: Orphanet 217569, MedGen C0007194, MeSH D002312, MONDO:0005045, HP:0001639.
Cardiovascular phenotype. Identifiers: MedGen CN230736.
Cardiomyopathy (CMYO). Also called: Cardiomyopathies. Identifiers: Orphanet 167848, MedGen C0878544, MONDO:0004994, HP:0001638. Inheritance: Various modes of inheritance.

Allele frequency attached by ClinVar (database versions not stated): gnomAD exomes below 0.00001; TOPMed 0.00001.
gnomAD v4.1: 2 of 1,614,180 alleles (0.00012%); highest among the groups gnomAD compares: Admixed American, 0.0017%; no homozygotes.

Submissions (5):

Labcorp Genetics (formerly Invitae), Labcorp
Classification: Uncertain significance for Hypertrophic cardiomyopathy. Last evaluated: 2025-12-17. Review status: criteria provided, single submitter. Criteria: Invitae Variant Classification Sherloc (09022015). Collection method: clinical testing. Allele origin: germline.
Comment: This sequence change replaces arginine, which is basic and polar, with glutamine, which is neutral and polar, at codon 138 of the MYL3 protein (p.Arg138Gln). This variant is present in population databases (no rsID available, gnomAD 0.003%). This variant has not been reported in the literature in individuals affected with MYL3-related conditions. ClinVar contains an entry for this variant (Variation ID: 392833). An algorithm developed to predict the effect of missense changes on protein structure and function (PolyPhen-2) suggests that this variant is likely to be disruptive. In summary, the available evidence is currently insufficient to determine the role of this variant in disease. Therefore, it has been classified as a Variant of Uncertain Significance.

GeneDx
Classification: Uncertain significance. Last evaluated: 2024-07-30. Review status: criteria provided, single submitter. Criteria: GeneDx Variant Classification Process June 2021. Collection method: clinical testing. Allele origin: germline. Affected: yes.
Comment: Not observed at significant frequency in large population cohorts (gnomAD); In silico analysis supports that this missense variant has a deleterious effect on protein structure/function; This variant is associated with the following publications: (PMID: 30122538, 36252119)

All of Us Research Program, National Institutes of Health
Classification: Uncertain significance for Hypertrophic cardiomyopathy. Last evaluated: 2023-08-28. Review status: criteria provided, single submitter. Criteria: ACMG Guidelines, 2015. Collection method: clinical testing. Allele origin: germline. Inheritance: Autosomal dominant inheritance. Observed: 2 variant alleles, 2 heterozygotes.
Comment: This missense variant replaces arginine with glutamine at codon 138 of the MYL3 protein. Computational prediction suggests that this variant may have deleterious impact on protein structure and function (internally defined REVEL score threshold >= 0.7, PMID: 27666373). To our knowledge, functional studies have not been reported for this variant. This variant has been reported in an individual from a cohort of participants undergoing whole exome sequencing in clinical research studies (PMID: 30122538). This variant has been identified in 1/251476 chromosomes in the general population by the Genome Aggregation Database (gnomAD). The available evidence is insufficient to determine the role of this variant in disease conclusively. Therefore, this variant is classified as a Variant of Uncertain Significance.

This study involves interpretation of variants in research participants for the purpose of population health screening. Participant phenotype was not available at the time of variant classification. Additional details can be found in publication PMID: 35346344, PMCID: PMC8962531

Color Diagnostics, LLC DBA Color Health
Classification: Uncertain significance for Cardiomyopathy. Last evaluated: 2023-01-26. Review status: criteria provided, single submitter. Criteria: ACMG Guidelines, 2015. Collection method: clinical testing. Allele origin: germline.
Comment: This missense variant replaces arginine with glutamine at codon 138 of the MYL3 protein. Computational prediction suggests that this variant may have deleterious impact on protein structure and function (internally defined REVEL score threshold >= 0.7, PMID: 27666373). To our knowledge, functional studies have not been reported for this variant. This variant has been reported in an individual from a cohort of participants undergoing whole exome sequencing in clinical research studies (PMID: 30122538). This variant has been identified in 1/251476 chromosomes in the general population by the Genome Aggregation Database (gnomAD). The available evidence is insufficient to determine the role of this variant in disease conclusively. Therefore, this variant is classified as a Variant of Uncertain Significance.

Ambry Genetics
Classification: Uncertain significance for Cardiovascular phenotype. Last evaluated: 2021-01-29. Review status: criteria provided, single submitter. Criteria: Ambry Variant Classification Scheme 2023. Collection method: clinical testing. Allele origin: germline.
Comment: The p.R138Q variant (also known as c.413G>A), located in coding exon 4 of the MYL3 gene, results from a G to A substitution at nucleotide position 413. The arginine at codon 138 is replaced by glutamine, an amino acid with highly similar properties. This amino acid position is highly conserved in available vertebrate species. In addition, the in silico prediction for this alteration is inconclusive. Since supporting evidence is limited at this time, the clinical significance of this alteration remains unclear.

Literature cited by the submitters: PubMed 30122538 (cited by All of Us Research Program, National Institutes of Health and Color Diagnostics, LLC DBA Color Health).

NM_000258.3(MYL3):c.413G>A (p.Arg138Gln)

Gene: MYL3 (myosin light chain 3; minus strand). Cytogenetic location: 3p21.31.
Variant type: single nucleotide variant.
Coding change: c.413G>A on transcript NM_000258.3 (MANE Select); coding-DNA position 413, G replaced by A.
Protein change: p.Arg138Gln; replaces arginine 138 with glutamine.
Molecular consequence: missense variant.
Genome position (GRCh38, 1-based): chr3:46,859,543, C>T on the plus strand (G>A on the coding strand, the complement: MYL3 is on the minus strand). VCF-style: chr3-46859543-C-T. GRCh37 (hg19) VCF-style: chr3-46901033-C-T.
Other names: short protein forms R138Q.
Identifiers: ClinVar variation 392833 (VCV000392833.16), dbSNP rs1057524652, ClinGen allele CA16604615.